The following is an entry in ClinVar:

ClinVar aggregate classification (germline): Uncertain significance (1 of 4 stars; one submission).

Allele frequency attached by ClinVar (database versions not stated): gnomAD exomes below 0.00001; TOPMed below 0.00001.
gnomAD v4.1: 1 of 1,211,363 alleles (0.000083%); highest among the groups gnomAD compares: Non-Finnish European, 0.00011%; no homozygotes.

Submission:

GeneDx
Classification: Uncertain significance. Last evaluated: 2023-10-11. Review status: criteria provided, single submitter. Criteria: GeneDx Variant Classification Process June 2021. Collection method: clinical testing. Allele origin: germline. Affected: yes.
Comment: Not observed at significant frequency in large population cohorts (gnomAD); Missense variants in this gene are often considered pathogenic (HGMD); In silico analysis supports that this missense variant does not alter protein structure/function; Has not been previously published as pathogenic or benign to our knowledge; This variant is associated with the following publications: (PMID: Royce2021[Case Report])

NM_006306.4(SMC1A):c.2695G>A (p.Gly899Arg)

Gene: SMC1A (structural maintenance of chromosomes 1A; minus strand). Cytogenetic location: Xp11.22.
Variant type: single nucleotide variant.
Coding change: c.2695G>A on transcript NM_006306.4 (MANE Select); coding-DNA position 2695, G replaced by A.
Protein change: p.Gly899Arg; replaces glycine 899 with arginine.
Molecular consequence: missense variant.
Genome position (GRCh38, 1-based): chrX:53,396,485, C>T on the plus strand (G>A on the coding strand, the complement: SMC1A is on the minus strand). VCF-style: chrX-53396485-C-T. GRCh37 (hg19) VCF-style: chrX-53423405-C-T.
Other names: c.2629G>A, p.Gly877Arg (NM_001281463.1); short protein forms G877R, G899R.
Identifiers: ClinVar variation 1708666 (VCV001708666.3), dbSNP rs1254835093, ClinGen allele CA413248507.